The following is an entry in ClinVar:

NM_001080453.3(INTS1):c.2402delinsTT (p.Arg801fs)

Gene: INTS1 (integrator complex subunit 1; minus strand). Cytogenetic location: 7p22.3.
Variant type: Indel.
Coding change: c.2402delinsTT on transcript NM_001080453.3 (MANE Select); coding-DNA position 2402, G replaced by TT.
Protein change: p.Arg801fs; shifts the reading frame from arginine 801.
Molecular consequence: frameshift variant.
Genome position (GRCh38, 1-based): chr7:1,487,874, C replaced by AA on the plus strand (G replaced by TT on the coding strand, the reverse complement: INTS1 is on the minus strand). VCF-style: chr7-1487874-C-AA. GRCh37 (hg19) VCF-style: chr7-1527510-C-AA.
Other names: short protein forms R801fs.
Identifiers: ClinVar variation 1064555 (VCV001064555.1), dbSNP rs2128539437, ClinGen allele CA1139770903.

ClinVar aggregate classification (germline): Likely pathogenic (1 of 4 stars; one submission).

Conditions:
Neurodevelopmental disorder with cataracts, poor growth, and dysmorphic facies. Identifiers: MedGen C5231414, MONDO:0032817, OMIM 618571.

Submission:

UNC Molecular Genetics  Laboratory, University of North Carolina at Chapel Hill
Classification: Likely pathogenic for Neurodevelopmental disorder with cataracts, poor growth, and dysmorphic facies. Last evaluated: 2020-04-01. Review status: criteria provided, single submitter. Criteria: ACMG Guidelines, 2015. Collection method: research. Allele origin: germline. Observed: 1 variant allele. Study: CSER_NCGENES.
Comment: The INTS1 c.2402delinsTT (p.Arg801Leufs*24) is a frameshift variant resulting in a premature stop codon 24 amino acid residues downstream in exon 19 of 48 total exons. Loss of normal protein function is predicted, either through nonsense-mediated mRNA decay or protein truncation, and at least four truncating variants located downstream of this variant have been reported in association with autosomal recessive neurodevelopmental disorder. This apparently novel variant has not been observed in any control population or literature and is considered likely pathogenic.